The following is an entry in ClinVar:

ClinVar aggregate classification (germline): Likely benign (1 of 4 stars; one submission).

gnomAD v4.1: 361 of 1,614,146 alleles (0.022%); highest among the groups gnomAD compares: South Asian, 0.3%; 6 homozygotes.

Submission:

CeGaT Center for Human Genetics Tuebingen
Classification: Likely benign. Last evaluated: 2025-07-01. Review status: criteria provided, single submitter. Criteria: CeGaT Center For Human Genetics Tuebingen Variant Classification Criteria Version 2. Collection method: clinical testing. Allele origin: germline. Affected: yes. Observed: 1 variant allele.
Comment: AHNAK: BP4, BS2

NM_001620.3(AHNAK):c.17113G>A (p.Val5705Ile)

Gene: AHNAK (AHNAK nucleoprotein; minus strand). Cytogenetic location: 11q12.3.
Variant type: single nucleotide variant.
Coding change: c.17113G>A on transcript NM_001620.3 (MANE Select); coding-DNA position 17113, G replaced by A.
Protein change: p.Val5705Ile; replaces valine 5705 with isoleucine.
Molecular consequence: missense variant. On other transcripts: intron variant (1).
Genome position (GRCh38, 1-based): chr11:62,517,304, C>T on the plus strand (G>A on the coding strand, the complement: AHNAK is on the minus strand). VCF-style: chr11-62517304-C-T. GRCh37 (hg19) VCF-style: chr11-62284776-C-T.
Other names: c.17113G>A, p.Val5705Ile (NM_001346445.2, NM_001346446.2); c.342+17699G>A (NM_024060.4); short protein forms V5705I.
Identifiers: ClinVar variation 4083861 (VCV004083861.8).